The following is an entry in ClinVar:

ClinVar aggregate classification (germline): Likely benign. Review status: criteria provided, multiple submitters, no conflicts (2 of 4 stars). 4 submissions from 4 submitters: Likely benign (3). 1 of the submissions does not count toward it. Last evaluated 2025-07-31.

Conditions:
COA8-related disorder. Also called: COA8-related condition.

Allele frequency attached by ClinVar (database versions not stated): ExAC 0.00012; gnomAD exomes 0.00015; TOPMed 0.00018; gnomAD 0.00024 and 0.00025; ESP Exome Variant Server 0.00031.
gnomAD v4.1: 376 of 1,614,054 alleles (0.023%); highest among the groups gnomAD compares: Non-Finnish European, 0.028%; no homozygotes.

Submissions (4):

Labcorp Genetics (formerly Invitae), Labcorp
Classification: Likely benign. Last evaluated: 2025-07-31. Review status: criteria provided, single submitter. Criteria: Invitae Variant Classification Sherloc (09022015). Collection method: clinical testing. Allele origin: germline.

Blueprint Genetics
Classification: Likely benign. Last evaluated: 2024-09-25. Review status: criteria provided, single submitter. Criteria: ACMG Guidelines, 2015. Collection method: clinical testing. Allele origin: germline.

Breakthrough Genomics
Classification: Likely benign. Review status: criteria provided, single submitter. Criteria: ACMG Guidelines, 2015. Collection method: not provided. Allele origin: germline. Inheritance: Autosomal recessive inheritance. Affected: yes.

PreventionGenetics, part of Exact Sciences
Classification: Likely benign for COA8-related condition. Last evaluated: 2019-02-28. Review status: no assertion criteria provided. Collection method: clinical testing. Allele origin: germline. Not counted in ClinVar's aggregate classification.
Comment: This variant is classified as likely benign based on ACMG/AMP sequence variant interpretation guidelines (Richards et al. 2015 PMID: 25741868, with internal and published modifications).

NM_001370595.2(COA8):c.507C>T (p.Thr169=)

Gene: COA8 (cytochrome c oxidase assembly factor 8; plus strand). Cytogenetic location: 14q32.33.
Variant type: single nucleotide variant.
Coding change: c.507C>T on transcript NM_001370595.2 (MANE Select); coding-DNA position 507, C replaced by T.
Protein change: p.Thr169=; no amino-acid change (threonine 169 retained).
Molecular consequence: synonymous variant. On other transcripts: 3 prime UTR variant (1), non-coding transcript variant (2).
Genome position (GRCh38, 1-based): chr14:103,590,211, C>T. VCF-style: chr14-103590211-C-T. GRCh37 (hg19) VCF-style: chr14-104056548-C-T.
Other names: NM_001302652.1:c.544C>T; c.*61C>T (NM_001302653.2); c.546C>T (NM_032374.4).
Identifiers: ClinVar variation 738751 (VCV000738751.13), dbSNP rs35468666, ClinGen allele CA7365648.